The following is an entry in ClinVar:

NM_003128.3(SPTBN1):c.6481T>C (p.Ser2161Pro)

Genes: SPTBN1 (spectrin beta, non-erythrocytic 1; plus strand), SPTBN1-AS2 (SPTBN1 antisense RNA 2; minus strand). Cytogenetic location: 2p16.2.
Variant type: single nucleotide variant.
Coding change: c.6481T>C on transcript NM_003128.3 (MANE Select); coding-DNA position 6481, T replaced by C.
Protein change: p.Ser2161Pro; replaces serine 2161 with proline.
Molecular consequence: missense variant.
Genome position (GRCh38, 1-based): chr2:54,664,513, T>C. VCF-style: chr2-54664513-T-C. GRCh37 (hg19) VCF-style: chr2-54891650-T-C.
Other names: short protein forms S2161P.
Identifiers: ClinVar variation 3384559 (VCV003384559.1).

ClinVar aggregate classification (germline): Uncertain significance (1 of 4 stars; one submission).

Submission:

GeneDx
Classification: Uncertain significance. Last evaluated: 2024-06-03. Review status: criteria provided, single submitter. Criteria: GeneDx Variant Classification Process June 2021. Collection method: clinical testing. Allele origin: germline. Affected: yes.
Comment: Not observed at significant frequency in large population cohorts (gnomAD); In silico analysis indicates that this missense variant does not alter protein structure/function; Has not been previously published as pathogenic or benign to our knowledge